The following is an entry in ClinVar:

ClinVar aggregate classification (germline): Uncertain significance (1 of 4 stars; one submission).

gnomAD v4.1: 16 of 1,614,038 alleles (0.00099%); highest among the groups gnomAD compares: Non-Finnish European, 0.0014%; no homozygotes.

Submission:

Labcorp Genetics (formerly Invitae), Labcorp
Classification: Uncertain significance. Last evaluated: 2024-10-12. Review status: criteria provided, single submitter. Criteria: Invitae Variant Classification Sherloc (09022015). Collection method: clinical testing. Allele origin: germline.
Comment: This sequence change replaces proline, which is neutral and non-polar, with threonine, which is neutral and polar, at codon 46 of the TXN2 protein (p.Pro46Thr). This variant is present in population databases (rs148453808, gnomAD 0.0009%). This variant has not been reported in the literature in individuals affected with TXN2-related conditions. An algorithm developed to predict the effect of missense changes on protein structure and function (PolyPhen-2) suggests that this variant is likely to be tolerated. In summary, the available evidence is currently insufficient to determine the role of this variant in disease. Therefore, it has been classified as a Variant of Uncertain Significance.

NM_012473.4(TXN2):c.136C>A (p.Pro46Thr)

Gene: TXN2 (thioredoxin 2; minus strand). Cytogenetic location: 22q12.3.
Variant type: single nucleotide variant.
Coding change: c.136C>A on transcript NM_012473.4 (MANE Select); coding-DNA position 136, C replaced by A.
Protein change: p.Pro46Thr; replaces proline 46 with threonine.
Molecular consequence: missense variant.
Genome position (GRCh38, 1-based): chr22:36,480,702, G>T on the plus strand (C>A on the coding strand, the complement: TXN2 is on the minus strand). VCF-style: chr22-36480702-G-T. GRCh37 (hg19) VCF-style: chr22-36876749-G-T.
Other names: short protein forms P46T.
Identifiers: ClinVar variation 3611358 (VCV003611358.2).